The following is an entry in ClinVar:

NM_006208.3(ENPP1):c.2756C>T (p.Pro919Leu)

Gene: ENPP1 (ectonucleotide pyrophosphatase/phosphodiesterase 1; plus strand). Cytogenetic location: 6q23.2.
Variant type: single nucleotide variant.
Coding change: c.2756C>T on transcript NM_006208.3 (MANE Select); coding-DNA position 2756, C replaced by T.
Protein change: p.Pro919Leu; replaces proline 919 with leucine.
Molecular consequence: missense variant.
Genome position (GRCh38, 1-based): chr6:131,890,489, C>T. VCF-style: chr6-131890489-C-T. GRCh37 (hg19) VCF-style: chr6-132211629-C-T.
Other names: short protein forms P919L.
Identifiers: ClinVar variation 2755404 (VCV002755404.3), dbSNP rs2483547495, ClinGen allele CA365661418.

ClinVar aggregate classification (germline): Uncertain significance (1 of 4 stars; one submission).

Allele frequency attached by ClinVar (database versions not stated): gnomAD exomes below 0.00001.
gnomAD v4.1: 2 of 1,613,912 alleles (0.00012%); highest among the groups gnomAD compares: Non-Finnish European, 0.00017%; no homozygotes.

Submission:

Labcorp Genetics (formerly Invitae), Labcorp
Classification: Uncertain significance. Last evaluated: 2023-08-27. Review status: criteria provided, single submitter. Criteria: Invitae Variant Classification Sherloc (09022015). Collection method: clinical testing. Allele origin: germline.
Comment: This variant is not present in population databases (gnomAD no frequency). In summary, the available evidence is currently insufficient to determine the role of this variant in disease. Therefore, it has been classified as a Variant of Uncertain Significance. Advanced modeling of protein sequence and biophysical properties (such as structural, functional, and spatial information, amino acid conservation, physicochemical variation, residue mobility, and thermodynamic stability) performed at Invitae indicates that this missense variant is expected to disrupt ENPP1 protein function. This variant has not been reported in the literature in individuals affected with ENPP1-related conditions. This sequence change replaces proline, which is neutral and non-polar, with leucine, which is neutral and non-polar, at codon 919 of the ENPP1 protein (p.Pro919Leu).